The following is an entry in ClinVar:

NM_001130987.2(DYSF):c.4969del (p.Tyr1657fs)

Gene: DYSF (dysferlin; plus strand). Cytogenetic location: 2p13.2.
Variant type: Deletion.
Coding change: c.4969del on transcript NM_001130987.2 (MANE Select); coding-DNA position 4969, one base deleted (T; older notation c.4969delT).
Protein change: p.Tyr1657fs; shifts the reading frame from tyrosine 1657.
Molecular consequence: frameshift variant.
Genome position (GRCh38, 1-based): chr2:71,660,617, T deleted. VCF-style (leftmost placement, unchanged base first): chr2-71660616-CT-C. GRCh37 (hg19) VCF-style: chr2-71887746-CT-C.
Other names: c.4855del, p.Tyr1619fs (NM_001130455.2); c.4810del, p.Tyr1604fs (NM_001130976.2); c.4873del, p.Tyr1625fs (NM_001130977.2); c.4915del, p.Tyr1639fs (NM_001130978.2); c.4945del, p.Tyr1649fs (NM_001130979.2); c.4903del, p.Tyr1635fs (NM_001130980.2); c.4966del, p.Tyr1656fs (NM_001130981.2); c.4948del, p.Tyr1650fs (NM_001130982.2); and 5 more; short protein forms Y1625fs, Y1635fs, Y1657fs, Y1604fs, Y1605fs, Y1619fs, Y1639fs, Y1650fs.
Identifiers: ClinVar variation 2693861 (VCV002693861.3), dbSNP rs2546506239, ClinGen allele CA2697548258.

ClinVar aggregate classification (germline): Pathogenic (1 of 4 stars; one submission).

Conditions:
Neuromuscular disease caused by qualitative or quantitative defects of dysferlin. Also called: Dysferlinopathy; Qualitative or quantitative defects of dysferlin. Identifiers: Orphanet 207073, MedGen C2931687, MONDO:0016145.

Submission:

Labcorp Genetics (formerly Invitae), Labcorp
Classification: Pathogenic for Neuromuscular disease caused by qualitative or quantitative defects of dysferlin. Last evaluated: 2025-02-10. Review status: criteria provided, single submitter. Criteria: Invitae Variant Classification Sherloc (09022015). Collection method: clinical testing. Allele origin: germline.
Comment: This sequence change creates a premature translational stop signal (p.Tyr1618Thrfs*16) in the DYSF gene. It is expected to result in an absent or disrupted protein product. Loss-of-function variants in DYSF are known to be pathogenic (PMID: 17698709, 20301480). This variant is not present in population databases (gnomAD no frequency). This variant has not been reported in the literature in individuals affected with DYSF-related conditions. ClinVar contains an entry for this variant (Variation ID: 2693861). For these reasons, this variant has been classified as Pathogenic.

Literature cited by the submitters: PubMed 17698709; PubMed 20301480.